The following is an entry in ClinVar:

ClinVar aggregate classification (germline): Uncertain significance. Review status: criteria provided, single submitter (1 of 4 stars). 2 submissions from 2 submitters: Uncertain significance (1). 1 of the submissions does not count toward it. Last evaluated 2025-08-12.

Conditions:
Congenital anomalies of kidney and urinary tract syndrome with or without hearing loss, abnormal ears, or developmental delay. Also called: Congenital Anomalies of the Kidney and Urinary Tract syndrome with or without Hearing Loss, Abnormal Ears, or Developmental Delay. Identifiers: Orphanet 656130, MedGen C4539968, MONDO:0060549, OMIM 617641.

Allele frequency attached by ClinVar (database versions not stated): gnomAD exomes below 0.00001.
gnomAD v4.1: 1 of 1,612,974 alleles (0.000062%); highest among the groups gnomAD compares: Non-Finnish European, 0.000085%; no homozygotes.

Submissions (2):

3billion
Classification: Uncertain significance for Congenital anomalies of kidney and urinary tract syndrome with or without hearing loss, abnormal ears, or developmental delay. Last evaluated: 2025-08-12. Review status: criteria provided, single submitter. Criteria: ACMG Guidelines, 2015. Collection method: clinical testing. Allele origin: germline. Affected: yes.
Comment: The variant is observed at an extremely low frequency in the gnomAD v4.1.0 dataset (total allele frequency: <0.001%). Predicted Consequence/Location: Missense variant In silico tool predictions suggest damaging effect of the variant on gene or gene product [REVEL: 0.80 (>=0.6, sensitivity 0.68 and specificity 0.92); 3Cnet: 0.99 (> 0.75, sensitivity 0.96 and precision 0.92)]. The same nucleotide change resulting in the same amino acid change has been previously reported to be associated with PBX1-related disorder (ClinVar ID: VCV002581161). However, the evidence of pathogenicity is insufficient at this time. Therefore, this variant is classified as VUS according to the recommendation of ACMG/AMP guideline.

Immunogenetics and Transplant Biology Service, University Hospital "Città della Salute e della Scienza di Torino"
Classification: Likely pathogenic for Congenital anomalies of kidney and urinary tract syndrome with or without hearing loss, abnormal ears, or developmental delay. Last evaluated: 2023-07-03. Review status: no assertion criteria provided. Collection method: clinical testing. Allele origin: de novo. Affected: yes. Not counted in ClinVar's aggregate classification.

NM_002585.4(PBX1):c.712C>T (p.Arg238Trp)

Gene: PBX1 (PBX homeobox 1; plus strand). Cytogenetic location: 1q23.3.
Variant type: single nucleotide variant.
Coding change: c.712C>T on transcript NM_002585.4 (MANE Select); coding-DNA position 712, C replaced by T.
Protein change: p.Arg238Trp; replaces arginine 238 with tryptophan.
Molecular consequence: missense variant.
Genome position (GRCh38, 1-based): chr1:164,807,552, C>T. VCF-style: chr1-164807552-C-T. GRCh37 (hg19) VCF-style: chr1-164776789-C-T.
Other names: c.712C>T, p.Arg238Trp (NM_001204961.2, NM_001204963.2, NM_001353131.2); c.463C>T, p.Arg155Trp (NM_001353130.1); short protein forms R155W, R238W.
Identifiers: ClinVar variation 2581161 (VCV002581161.2), dbSNP rs2526855331, ClinGen allele CA343471154.